The following is an entry in ClinVar:

ClinVar aggregate classification (germline): Uncertain significance (1 of 4 stars; one submission).

Allele frequency attached by ClinVar (database versions not stated): gnomAD exomes 0.00001; ExAC 0.00002.
gnomAD v4.1: 7 of 1,614,008 alleles (0.00043%); highest among the groups gnomAD compares: South Asian, 0.0055%; no homozygotes.

Submission:

Labcorp Genetics (formerly Invitae), Labcorp
Classification: Uncertain significance. Last evaluated: 2025-08-13. Review status: criteria provided, single submitter. Criteria: Invitae Variant Classification Sherloc (09022015). Collection method: clinical testing. Allele origin: germline.
Comment: This sequence change affects codon 197 of the OPN1SW mRNA. It is a 'silent' change, meaning that it does not change the encoded amino acid sequence of the OPN1SW protein. This variant is present in population databases (rs760831035, gnomAD 0.01%). This variant has not been reported in the literature in individuals affected with OPN1SW-related conditions. ClinVar contains an entry for this variant (Variation ID: 2754993). Algorithms developed to predict the effect of sequence changes on RNA splicing suggest that this variant may create or strengthen a splice site. In summary, the available evidence is currently insufficient to determine the role of this variant in disease. Therefore, it has been classified as a Variant of Uncertain Significance.

NM_001385125.1(OPN1SW):c.582C>T (p.Ser194=)

Gene: OPN1SW (opsin 1, short wave sensitive; minus strand). Cytogenetic location: 7q32.1.
Variant type: single nucleotide variant.
Coding change: c.582C>T on transcript NM_001385125.1 (MANE Select); coding-DNA position 582, C replaced by T.
Protein change: p.Ser194=; no amino-acid change (serine 194 retained).
Molecular consequence: synonymous variant.
Genome position (GRCh38, 1-based): chr7:128,774,594, G>A on the plus strand (C>T on the coding strand, the complement: OPN1SW is on the minus strand). VCF-style: chr7-128774594-G-A. GRCh37 (hg19) VCF-style: chr7-128414648-G-A.
Identifiers: ClinVar variation 2754993 (VCV002754993.3), dbSNP rs760831035, ClinGen allele CA4472901.
Genomic context (GRCh38, chr7:128,774,594, plus strand): 5'-GCAGATGAGGGAGAGAGGCACAATGAAGCAGAAGATGAAGAGGAACCACGTATAGGACTC[G>A]CTGCGGTATTTGGTGCCCACGGTGTACCAGTCAGGGCCACAGGAACACTGCAGGCCCTCA-3'
Protein context (NP_001372054.1, residues 184-204): DWYTVGTKYR[Ser194=]ESYTWFLFIF